The following is an entry in ClinVar:

ClinVar aggregate classification (germline): Likely pathogenic (1 of 4 stars; one submission).

Submission:

Quest Diagnostics Nichols Institute San Juan Capistrano
Classification: Likely pathogenic. Last evaluated: 2019-05-17. Review status: criteria provided, single submitter. Criteria: Quest Diagnostics criteria. Collection method: clinical testing. Allele origin: germline.
Comment: The variant results in a shift of the reading frame, and is therefore predicted to result in the loss of a functional protein. Not found in the total gnomAD dataset, and the data is high quality (0/282352 chr).

NM_000059.4(BRCA2):c.5880_5887del (p.Cys1960fs)

Gene: BRCA2 (BRCA2 DNA repair associated; plus strand). Cytogenetic location: 13q13.1.
Variant type: Deletion.
Coding change: c.5880_5887del on transcript NM_000059.4 (MANE Select); coding-DNA positions 5880 to 5887, 8 bases deleted (TAGTATAG; older notation c.5880_5887delTAGTATAG).
Protein change: p.Cys1960fs; shifts the reading frame from cysteine 1960.
Molecular consequence: frameshift variant.
Genome position (GRCh38, 1-based): chr13:32,340,235-32,340,242, TAGTATAG deleted; deleting any 8 consecutive bases within chr13:32,340,234-32,340,242 gives the same sequence; the c. name uses the placement nearest the transcript's 3' end. VCF-style (leftmost placement, unchanged base first): chr13-32340233-TGTAGTATA-T. GRCh37 (hg19) VCF-style: chr13-32914370-TGTAGTATA-T.
Other names: short protein forms C1960fs.
Identifiers: ClinVar variation 801115 (VCV000801115.2), dbSNP rs1593906797, ClinGen allele CA915948499.